The following is an entry in ClinVar:

ClinVar aggregate classification (germline): Uncertain significance. Review status: criteria provided, multiple submitters, no conflicts (2 of 4 stars). 2 submissions from 2 submitters: Uncertain significance (2). Last evaluated 2025-10-25.

Conditions:
Telangiectasia, hereditary hemorrhagic, type 2 (HHT2). Also called: ACVRL1-Related Hereditary Hemorrhagic Telangiectasia; Telangiectasia, hereditary hemorrhagic, type II. Identifiers: Orphanet 774, MedGen C1838163, MONDO:0010880, OMIM 600376. Disease mechanism: loss of function.

Submissions (2):

Labcorp Genetics (formerly Invitae), Labcorp
Classification: Uncertain significance for Telangiectasia, hereditary hemorrhagic, type 2. Last evaluated: 2025-10-25. Review status: criteria provided, single submitter. Criteria: Invitae Variant Classification Sherloc (09022015). Collection method: clinical testing. Allele origin: germline.
Comment: This variant, c.1285_1287del, results in the deletion of 1 amino acid(s) of the ACVRL1 protein (p.Val429del), but otherwise preserves the integrity of the reading frame. This variant is not present in population databases (gnomAD no frequency). This variant has been observed in individual(s) with hereditary hemorrhagic telangiectasia (internal data). ClinVar contains an entry for this variant (Variation ID: 4087905). This variant disrupts a region of the ACVRL1 protein in which other variant(s) (p.Val429Glu) have been observed in individuals with ACVRL1-related conditions (internal data). This suggests that this is a clinically significant region of the protein, and that variants that disrupt it are likely to be disease-causing. In summary, the available evidence is currently insufficient to determine the role of this variant in disease. Therefore, it has been classified as a Variant of Uncertain Significance.

GeneDx
Classification: Uncertain significance. Last evaluated: 2025-03-26. Review status: criteria provided, single submitter. Criteria: GeneDx Variant Classification Process June 2021. Collection method: clinical testing. Allele origin: germline. Affected: yes.
Comment: Has not been previously published as pathogenic or benign to our knowledge; Not observed at significant frequency in large population cohorts (gnomAD); In-frame deletion of 1 amino acid in a non-repeat region

NM_000020.3(ACVRL1):c.1282GTG[1] (p.Val429del)

Gene: ACVRL1 (activin A receptor like type 1; plus strand). Cytogenetic location: 12q13.13.
Variant type: Microsatellite.
Coding change: c.1282GTG[1] on transcript NM_000020.3 (MANE Select); one copy of the 3-base unit GTG starting at c.1282; the reference has two copies in a row; one copy, 3 bases deleted; also written c.1285_1287del.
Protein change: p.Val429del; deletes valine 429.
Molecular consequence: inframe indel (on NM_000020.2).
Genome position (GRCh38, 1-based): chr12:51,919,023-51,919,025, GTG deleted; deleting any 3 consecutive bases within chr12:51,919,020-51,919,025 gives the same sequence; the position shown is the placement nearest the transcript's 3' end. VCF-style (leftmost placement, unchanged base first): chr12-51919019-TGTG-T. GRCh37 (hg19) VCF-style: chr12-52312803-TGTG-T.
Other names: c.1126GTG[1], p.Val377del (NM_001406490.1); c.970GTG[1], p.Val325del (NM_001406491.1, NM_001406492.1, NM_001406493.1); c.772GTG[1], p.Val259del (NM_001406494.1); c.718GTG[1], p.Val241del (NM_001406495.1); c.1285_1287del (NM_000020.2); c.1282_1284GTG[1], p.Val429del (NM_000020.2); c.1282GTG[1], p.Val429del (NM_001077401.2, NM_001406487.1, NM_001406488.1 and 1 more transcripts); short protein forms V241del, V429del, V259del, V325del, V377del.
Identifiers: ClinVar variation 4087905 (VCV004087905.2).